The following is an entry in ClinVar:

ClinVar aggregate classification (germline): Uncertain significance. Review status: criteria provided, multiple submitters, no conflicts (2 of 4 stars). 2 submissions from 2 submitters: Uncertain significance (2). Last evaluated 2025-09-22.

Conditions:
DMXL2-related disorder. Also called: DMXL2-related condition.

Allele frequency attached by ClinVar (database versions not stated): ExAC 0.00002; TOPMed 0.00002; gnomAD 0.00004 and 0.00005.
gnomAD v4.1: 32 of 1,614,098 alleles (0.002%); highest among the groups gnomAD compares: East Asian, 0.011%; no homozygotes.

Submissions (2):

PreventionGenetics, part of Exact Sciences
Classification: Uncertain significance for DMXL2-related condition. Last evaluated: 2025-09-22. Review status: criteria provided, single submitter. Criteria: ACMG Guidelines, 2015. Collection method: clinical testing. Allele origin: germline.
Comment: The DMXL2 c.3367A>G variant is predicted to result in the amino acid substitution p.Ile1123Val. To our knowledge, this variant has not been reported in the literature. This variant is reported in 0.0058% of alleles in individuals of Latino descent in gnomAD. At this time, the clinical significance of this variant is uncertain due to the absence of conclusive functional and genetic evidence.

Labcorp Genetics (formerly Invitae), Labcorp
Classification: Uncertain significance. Last evaluated: 2022-08-19. Review status: criteria provided, single submitter. Criteria: Invitae Variant Classification Sherloc (09022015). Collection method: clinical testing. Allele origin: germline.
Comment: This sequence change replaces isoleucine, which is neutral and non-polar, with valine, which is neutral and non-polar, at codon 1123 of the DMXL2 protein (p.Ile1123Val). This variant is present in population databases (rs749622472, gnomAD 0.006%). This variant has not been reported in the literature in individuals affected with DMXL2-related conditions. ClinVar contains an entry for this variant (Variation ID: 1349602). Algorithms developed to predict the effect of missense changes on protein structure and function output the following: SIFT: "Tolerated"; PolyPhen-2: "Benign"; Align-GVGD: "Class C0". The valine amino acid residue is found in multiple mammalian species, which suggests that this missense change does not adversely affect protein function. In summary, the available evidence is currently insufficient to determine the role of this variant in disease. Therefore, it has been classified as a Variant of Uncertain Significance.

NM_001378457.1(DMXL2):c.3367A>G (p.Ile1123Val)

Gene: DMXL2 (Dmx like 2; minus strand). Cytogenetic location: 15q21.2.
Variant type: single nucleotide variant.
Coding change: c.3367A>G on transcript NM_001378457.1 (MANE Select); coding-DNA position 3367, A replaced by G.
Protein change: p.Ile1123Val; replaces isoleucine 1123 with valine.
Molecular consequence: missense variant. On other transcripts: non-coding transcript variant (2), intron variant (2).
Genome position (GRCh38, 1-based): chr15:51,499,857, T>C on the plus strand (A>G on the coding strand, the complement: DMXL2 is on the minus strand). VCF-style: chr15-51499857-T-C. GRCh37 (hg19) VCF-style: chr15-51792054-T-C.
Other names: c.3367A>G (NM_001174116.1); c.3367A>G, p.Ile1123Val (NM_001174116.3, NM_001378458.1, NM_001378459.1 and 4 more transcripts); c.3127A>G, p.Ile1043Val (NM_001378464.1); c.2764+7277A>G (NM_001378460.1); c.2765-4723A>G (NM_001174117.3); short protein forms I1123V, I1043V.
Identifiers: ClinVar variation 1349602 (VCV001349602.6), dbSNP rs749622472, ClinGen allele CA7562176.